The following is an entry in ClinVar:

NM_001370466.1(NOD2):c.459+104A>G

Gene: NOD2 (nucleotide binding oligomerization domain containing 2; plus strand). Cytogenetic location: 16q12.1.
Variant type: single nucleotide variant.
Coding change: c.459+104A>G on transcript NM_001370466.1 (MANE Select); 104 bases into the intron after coding-DNA position 459, A replaced by G.
Molecular consequence: intron variant.
Genome position (GRCh38, 1-based): chr16:50,700,058, A>G. VCF-style: chr16-50700058-A-G. GRCh37 (hg19) VCF-style: chr16-50733969-A-G.
Other names: c.540+104A>G (NM_022162.3); c.459+104A>G (NM_001293557.2).
Identifiers: ClinVar variation 2688412 (VCV002688412.2), dbSNP rs2111235, ClinGen allele CA15873179.

ClinVar aggregate classification (germline): Benign (1 of 4 stars; one submission).

Allele frequency attached by ClinVar (database versions not stated): 1000 Genomes Project 0.51997; 1000 Genomes Project 30x 0.52733; TOPMed 0.64804.
gnomAD v4.1: 708,233 of 1,093,490 alleles (65%); highest among the groups gnomAD compares: Middle Eastern, 69%; 236,081 homozygotes.

Submission:

Unidad de Genómica Garrahan, Hospital de Pediatría Garrahan
Classification: Benign. Last evaluated: 2024-01-24. Review status: criteria provided, single submitter. Criteria: ACMG Guidelines, 2015. Collection method: clinical testing. Allele origin: germline. Affected: no. Observed: 45 variant alleles.
Comment: This variant is classified as Benign based on local population frequency. This variant was detected in 51% of patients studied by a panel of primary immunodeficiencies. Number of patients: 45. Only high quality variants are reported.